The following is an entry in ClinVar:

NM_001270508.2(TNFAIP3):c.2217_2242del (p.Asn740fs)

Gene: TNFAIP3 (TNF alpha induced protein 3; plus strand). Cytogenetic location: 6q23.3.
Variant type: Deletion.
Coding change: c.2217_2242del on transcript NM_001270508.2 (MANE Select); coding-DNA positions 2217 to 2242, 26 bases deleted (CAACCAGAGGATGGGCCCTGGGGCCC).
Protein change: p.Asn740fs; shifts the reading frame from asparagine 740.
Molecular consequence: frameshift variant.
Genome position (GRCh38, 1-based): chr6:137,881,163-137,881,188, CAACCAGAGGATGGGCCCTGGGGCCC deleted; deleting any 26 consecutive bases within chr6:137,881,161-137,881,188 gives the same sequence; the c. name uses the placement nearest the transcript's 3' end. VCF-style (leftmost placement, unchanged base first): chr6-137881160-TCCCAACCAGAGGATGGGCCCTGGGGC-T. GRCh37 (hg19) VCF-style: chr6-138202297-TCCCAACCAGAGGATGGGCCCTGGGGC-T.
Other names: c.2217_2242del, p.Asn740fs (NM_001270507.2, NM_006290.4); short protein forms N740fs.
Identifiers: ClinVar variation 2707204 (VCV002707204.3), dbSNP rs2482774081, ClinGen allele CA2697553785.

ClinVar aggregate classification (germline): Uncertain significance (1 of 4 stars; one submission).

Submission:

Labcorp Genetics (formerly Invitae), Labcorp
Classification: Uncertain significance. Last evaluated: 2023-09-29. Review status: criteria provided, single submitter. Criteria: Invitae Variant Classification Sherloc (09022015). Collection method: clinical testing. Allele origin: germline.
Comment: This sequence change creates a premature translational stop signal (p.Asn740Profs*3) in the TNFAIP3 gene. While this is not anticipated to result in nonsense mediated decay, it is expected to disrupt the last 51 amino acid(s) of the TNFAIP3 protein. This variant is not present in population databases (gnomAD no frequency). This variant has not been reported in the literature in individuals affected with TNFAIP3-related conditions. Experimental studies and prediction algorithms are not available or were not evaluated, and the functional significance of this variant is currently unknown. In summary, the available evidence is currently insufficient to determine the role of this variant in disease. Therefore, it has been classified as a Variant of Uncertain Significance.